The following is an entry in ClinVar:

ClinVar aggregate classification (germline): Uncertain significance (1 of 4 stars; one submission).

gnomAD v4.1: 1 of 1,186,159 alleles (0.000084%); highest among the groups gnomAD compares: Admixed American, 0.0024%; no homozygotes.

Submission:

Ambry Genetics
Classification: Uncertain significance. Last evaluated: 2026-03-23. Review status: criteria provided, single submitter. Criteria: Ambry Variant Classification Scheme 2023. Collection method: clinical testing. Allele origin: germline.
Comment: The c.941C>T (p.S314F) alteration is located in exon 3 (coding exon 2) of the TRO gene. This alteration results from a C to T substitution at nucleotide position 941, causing the serine (S) at amino acid position 314 to be replaced by a phenylalanine (F). Based on data from gnomAD, the T allele has an overall frequency of 0.001% (1/136293) total alleles studied. The highest observed frequency was 0.004% (1/22623) of Latino alleles. Based on insufficient or conflicting evidence, the clinical significance of this alteration remains unclear.

NM_001039705.3(TRO):c.941C>T (p.Ser314Phe)

Gene: TRO (trophinin; plus strand). Cytogenetic location: Xp11.21.
Variant type: single nucleotide variant.
Coding change: c.941C>T on transcript NM_001039705.3 (MANE Select); coding-DNA position 941, C replaced by T.
Protein change: p.Ser314Phe; replaces serine 314 with phenylalanine.
Molecular consequence: missense variant. On other transcripts: non-coding transcript variant (1), intron variant (3).
Genome position (GRCh38, 1-based): chrX:54,923,473, C>T. VCF-style: chrX-54923473-C-T. GRCh37 (hg19) VCF-style: chrX-54949906-C-T.
Other names: c.941C>T, p.Ser314Phe (NM_016157.4, NM_177556.3); c.46-978C>T (NM_001271184.2, NM_177557.3); c.-171-978C>T (NM_001271183.2); short protein forms S314F.
Identifiers: ClinVar variation 4865954 (VCV004865954.1).